The following is an entry in ClinVar:

ClinVar aggregate classification (germline): Likely pathogenic (1 of 4 stars; one submission).

Conditions:
Rubinstein-Taybi syndrome (RSTS). Identifiers: Orphanet 783, MedGen C0035934, MONDO:0019188.

Submission:

Labcorp Genetics (formerly Invitae), Labcorp
Classification: Likely pathogenic for Rubinstein-Taybi syndrome. Last evaluated: 2020-01-02. Review status: criteria provided, single submitter. Criteria: Invitae Variant Classification Sherloc (09022015). Collection method: clinical testing. Allele origin: germline.
Comment: Algorithms developed to predict the effect of missense changes on protein structure and function are either unavailable or do not agree on the potential impact of this missense change (SIFT: "Deleterious"; PolyPhen-2: "Not Available"; Align-GVGD: "Class C65"). This sequence change replaces serine with proline at codon 1687 of the CREBBP protein (p.Ser1687Pro). The serine residue is highly conserved and there is a moderate physicochemical difference between serine and proline. This variant is not present in population databases (ExAC no frequency). This variant has been observed in individual(s) with clinical features of Rubinstein-Taybi syndrome (Invitae). In at least one individual the variant was observed to be de novo. This variant disrupts the p.Ser1687 amino acid residue in CREBBP. Other variant(s) that disrupt this residue have been observed in individuals with CREBBP-related conditions (PMID: 21984751), which suggests that this may be a clinically significant amino acid residue. In summary, the currently available evidence indicates that the variant is pathogenic, but additional data are needed to prove that conclusively. Therefore, this variant has been classified as Likely Pathogenic.

Literature cited by the submitters: PubMed 21984751.

NM_004380.3(CREBBP):c.5059T>C (p.Ser1687Pro)

Gene: CREBBP (CREB binding lysine acetyltransferase; minus strand). Cytogenetic location: 16p13.3.
Variant type: single nucleotide variant.
Coding change: c.5059T>C on transcript NM_004380.3 (MANE Select); coding-DNA position 5059, T replaced by C.
Protein change: p.Ser1687Pro; replaces serine 1687 with proline.
Molecular consequence: missense variant.
Genome position (GRCh38, 1-based): chr16:3,731,305, A>G on the plus strand (T>C on the coding strand, the complement: CREBBP is on the minus strand). VCF-style: chr16-3731305-A-G. GRCh37 (hg19) VCF-style: chr16-3781306-A-G.
Other names: c.4945T>C, p.Ser1649Pro (NM_001079846.1); short protein forms S1649P, S1687P.
Identifiers: ClinVar variation 860496 (VCV000860496.9), dbSNP rs61731407, ClinGen allele CA394558453.